The following is an entry in ClinVar:

ClinVar aggregate classification (germline): Uncertain significance. Review status: criteria provided, multiple submitters, no conflicts (2 of 4 stars). 2 submissions from 2 submitters: Uncertain significance (2). Last evaluated 2024-10-17.

Conditions:
Familial thoracic aortic aneurysm and aortic dissection (TAAD). Also called: Thoracic aortic aneurysms and dissections. Identifiers: Orphanet 91387, MedGen C4707243, MONDO:0019625.
Loeys-Dietz syndrome (LDS). Identifiers: Orphanet 60030, MedGen C2697932, MONDO:0018954.

Allele frequency attached by ClinVar (database versions not stated): gnomAD exomes below 0.00001.
gnomAD v4.1: 1 of 1,614,128 alleles (0.000062%); highest among the groups gnomAD compares: Non-Finnish European, 0.000085%; no homozygotes.

Submissions (3):

Labcorp Genetics (formerly Invitae), Labcorp
Classification: Uncertain significance for Familial thoracic aortic aneurysm and aortic dissection. Last evaluated: 2024-10-17. Review status: criteria provided, single submitter. Criteria: Invitae Variant Classification Sherloc (09022015). Collection method: clinical testing. Allele origin: germline.
Comment: This sequence change replaces glutamic acid, which is acidic and polar, with glycine, which is neutral and non-polar, at codon 300 of the TGFBR1 protein (p.Glu300Gly). This variant is not present in population databases (gnomAD no frequency). This variant has not been reported in the literature in individuals affected with TGFBR1-related conditions. ClinVar contains an entry for this variant (Variation ID: 1383024). Invitae Evidence Modeling of protein sequence and biophysical properties (such as structural, functional, and spatial information, amino acid conservation, physicochemical variation, residue mobility, and thermodynamic stability) indicates that this missense variant is not expected to disrupt TGFBR1 protein function with a negative predictive value of 80%. In summary, the available evidence is currently insufficient to determine the role of this variant in disease. Therefore, it has been classified as a Variant of Uncertain Significance.

All of Us Research Program, National Institutes of Health
Classification: Uncertain significance for Loeys-Dietz syndrome. Last evaluated: 2023-02-24. Review status: criteria provided, single submitter. Criteria: ACMG Guidelines, 2015. Collection method: clinical testing. Allele origin: germline. Inheritance: Autosomal dominant inheritance. Observed: 1 variant allele, 1 heterozygote.
Comment: This missense variant replaces glutamic acid with glycine at codon 300 of the TGFBR1 protein. Computational prediction suggests that this variant may not impact protein structure and function (internally defined REVEL score threshold <= 0.5, PMID: 27666373). To our knowledge, functional studies have not been reported for this variant. This variant has not been reported in individuals affected with TGFBR1-related disorders in the literature. This variant has not been identified in the general population by the Genome Aggregation Database (gnomAD). The available evidence is insufficient to determine the role of this variant in disease conclusively. Therefore, this variant is classified as a Variant of Uncertain Significance.

This study involves interpretation of variants in research participants for the purpose of population health screening. Participant phenotype was not available at the time of variant classification. Additional details can be found in publication PMID: 35346344, PMCID: PMC8962531

Dr. Peter K. Rogan Lab, Western University
No classification provided (evidence only). Condition: Malignant tumor of urinary bladder. Review status: no classification provided. Collection method: in vitro. Allele origin: not applicable. Functional consequence: retained intron. Not counted in ClinVar's aggregate classification.

NM_004612.4(TGFBR1):c.899A>G (p.Glu300Gly)

Gene: TGFBR1 (transforming growth factor beta receptor 1; plus strand). Cytogenetic location: 9q22.33.
Variant type: single nucleotide variant.
Coding change: c.899A>G on transcript NM_004612.4 (MANE Select); coding-DNA position 899, A replaced by G.
Protein change: p.Glu300Gly; replaces glutamic acid 300 with glycine.
Molecular consequence: missense variant.
Genome position (GRCh38, 1-based): chr9:99,142,629, A>G. VCF-style: chr9-99142629-A-G. GRCh37 (hg19) VCF-style: chr9-101904911-A-G.
Other names: c.668A>G, p.Glu223Gly (NM_001130916.3); c.911A>G, p.Glu304Gly (NM_001306210.2); short protein forms E223G, E304G, E300G.
Identifiers: ClinVar variation 1383024 (VCV001383024.8), dbSNP rs2118779242, ClinGen allele CA374230688.
Genomic context (GRCh38, chr9:99,142,629, plus strand): 5'-CAGATTATCATGAGCATGGATCCCTTTTTGATTACTTAAACAGATACACAGTTACTGTGG[A>G]AGGAATGATAAAACTTGCTCTGTCCACGGCGAGCGGTCTTGCCCATCTTCACATGGAGAT-3'
Protein context (NP_004603.1, residues 290-310): DYLNRYTVTV[Glu300Gly]GMIKLALSTA